The following is an entry in ClinVar:

NM_001572.5(IRF7):c.58G>A (p.Gly20Arg)

Gene: IRF7 (interferon regulatory factor 7; minus strand). Cytogenetic location: 11p15.5.
Variant type: single nucleotide variant.
Coding change: c.58G>A on transcript NM_001572.5 (MANE Select); coding-DNA position 58, G replaced by A.
Protein change: p.Gly20Arg; replaces glycine 20 with arginine.
Molecular consequence: missense variant.
Genome position (GRCh38, 1-based): chr11:615,222, C>T on the plus strand (G>A on the coding strand, the complement: IRF7 is on the minus strand). VCF-style: chr11-615222-C-T. GRCh37 (hg19) VCF-style: chr11-615222-C-T.
Other names: c.58G>A, p.Gly20Arg (NM_004029.4); c.97G>A, p.Gly33Arg (NM_004031.4); short protein forms G20R, G33R.
Identifiers: ClinVar variation 2982902 (VCV002982902.3), dbSNP rs371777089, ClinGen allele CA5784105.
Genomic context (GRCh38, chr11:615,222, plus strand): 5'-AACAGGTGCGGGCCTCGTCCAGCCACTGCAGCCCCTCATAGCAGCCGCTGCTGATCTCTC[C>T]AAGGAGCCACTCTCCGAACAGCACGCGTGGGGCTGCCCTGCGGGTGCCCGGCCGCGGAGA-3'
Protein context (NP_001563.2, residues 10-30): PRVLFGEWLL[Gly20Arg]EISSGCYEGL

ClinVar aggregate classification (germline): Uncertain significance (1 of 4 stars; one submission).

Conditions:
Immunodeficiency 39 (IMD39). Identifiers: Orphanet 574918, MedGen C4225358, MONDO:0014597, OMIM 616345.

Allele frequency attached by ClinVar (database versions not stated): gnomAD exomes below 0.00001; TOPMed below 0.00001; gnomAD 0.00001; ExAC 0.00002; ESP Exome Variant Server 0.00008.

Submission:

Labcorp Genetics (formerly Invitae), Labcorp
Classification: Uncertain significance for Immunodeficiency 39. Last evaluated: 2023-04-15. Review status: criteria provided, single submitter. Criteria: Invitae Variant Classification Sherloc (09022015). Collection method: clinical testing. Allele origin: germline.
Comment: In summary, the available evidence is currently insufficient to determine the role of this variant in disease. Therefore, it has been classified as a Variant of Uncertain Significance. Advanced modeling of protein sequence and biophysical properties (such as structural, functional, and spatial information, amino acid conservation, physicochemical variation, residue mobility, and thermodynamic stability) performed at Invitae indicates that this missense variant is not expected to disrupt IRF7 protein function. This variant has not been reported in the literature in individuals affected with IRF7-related conditions. This variant is present in population databases (rs371777089, gnomAD 0.001%). This sequence change replaces glycine, which is neutral and non-polar, with arginine, which is basic and polar, at codon 33 of the IRF7 protein (p.Gly33Arg).